The following is an entry in ClinVar:

ClinVar aggregate classification (germline): Likely benign (1 of 4 stars; one submission).

gnomAD v4.1: 3 of 1,608,460 alleles (0.00019%); highest among the groups gnomAD compares: African/African-American, 0.0013%; no homozygotes.

Submission:

CeGaT Center for Human Genetics Tuebingen
Classification: Likely benign. Last evaluated: 2024-10-01. Review status: criteria provided, single submitter. Criteria: CeGaT Center For Human Genetics Tuebingen Variant Classification Criteria Version 2. Collection method: clinical testing. Allele origin: germline. Affected: yes. Observed: 1 variant allele.
Comment: SMG8: BP4, BP7

NM_018149.7(SMG8):c.393C>T (p.Gly131=)

Gene: SMG8 (SMG8 nonsense mediated mRNA decay factor; plus strand). Cytogenetic location: 17q22.
Variant type: single nucleotide variant.
Coding change: c.393C>T on transcript NM_018149.7 (MANE Select); coding-DNA position 393, C replaced by T.
Protein change: p.Gly131=; no amino-acid change (glycine 131 retained).
Molecular consequence: synonymous variant.
Genome position (GRCh38, 1-based): chr17:59,210,444, C>T. VCF-style: chr17-59210444-C-T. GRCh37 (hg19) VCF-style: chr17-57287805-C-T.
Identifiers: ClinVar variation 3389000 (VCV003389000.14).
Genomic context (GRCh38, chr17:59,210,444, plus strand): 5'-AGCCGGGGGTTCAGTTCGGGGAAGTGGAGCTGTCGCGGAAGGTAACCGAACTGAGGCAGG[C>T]TCCCAGGACTACAGCCTTCTGCAGGCCTACTACAGTCAGGAAAGCAAAGTTCTGTATCTT-3'
Protein context (NP_060619.4, residues 121-141): AVAEGNRTEA[Gly131=]SQDYSLLQAY